The following is an entry in ClinVar:

ClinVar aggregate classification (germline): Uncertain significance. Review status: criteria provided, multiple submitters, no conflicts (2 of 4 stars). 2 submissions from 2 submitters: Uncertain significance (2). Last evaluated 2022-10-10.

Allele frequency attached by ClinVar (database versions not stated): ExAC 0.00003; ESP Exome Variant Server 0.00023.
gnomAD v4.1: 149 of 1,613,126 alleles (0.0092%); highest among the groups gnomAD compares: Non-Finnish European, 0.012%; no homozygotes.

Submissions (2):

Labcorp Genetics (formerly Invitae), Labcorp
Classification: Uncertain significance. Last evaluated: 2022-10-10. Review status: criteria provided, single submitter. Criteria: Invitae Variant Classification Sherloc (09022015). Collection method: clinical testing. Allele origin: germline.
Comment: This sequence change replaces alanine, which is neutral and non-polar, with threonine, which is neutral and polar, at codon 104 of the ATP4A protein (p.Ala104Thr). In summary, the available evidence is currently insufficient to determine the role of this variant in disease. Therefore, it has been classified as a Variant of Uncertain Significance. Advanced modeling of protein sequence and biophysical properties (such as structural, functional, and spatial information, amino acid conservation, physicochemical variation, residue mobility, and thermodynamic stability) performed at Invitae indicates that this missense variant is not expected to disrupt ATP4A protein function. This variant has not been reported in the literature in individuals affected with ATP4A-related conditions. This variant is present in population databases (rs145425383, gnomAD 0.006%).

Ambry Genetics
Classification: Uncertain significance. Last evaluated: 2021-08-13. Review status: criteria provided, single submitter. Criteria: Ambry Variant Classification Scheme 2023. Collection method: clinical testing. Allele origin: germline.

NM_000704.3(ATP4A):c.310G>A (p.Ala104Thr)

Gene: ATP4A (ATPase H+/K+ transporting subunit alpha; minus strand). Cytogenetic location: 19q13.12.
Variant type: single nucleotide variant.
Coding change: c.310G>A on transcript NM_000704.3 (MANE Select); coding-DNA position 310, G replaced by A.
Protein change: p.Ala104Thr; replaces alanine 104 with threonine.
Molecular consequence: missense variant.
Genome position (GRCh38, 1-based): chr19:35,562,545, C>T on the plus strand (G>A on the coding strand, the complement: ATP4A is on the minus strand). VCF-style: chr19-35562545-C-T. GRCh37 (hg19) VCF-style: chr19-36053447-C-T.
Other names: short protein forms A104T.
Identifiers: ClinVar variation 1911359 (VCV001911359.6), dbSNP rs145425383, ClinGen allele CA9381454.